The following is an entry in ClinVar:

NM_017849.4(TMEM127):c.61A>C (p.Ser21Arg)

Genes: TMEM127 (transmembrane protein 127; minus strand), LOC129934333 (ATAC-STARR-seq lymphoblastoid silent region 11759; plus strand). Cytogenetic location: 2q11.2.
Variant type: single nucleotide variant.
Coding change: c.61A>C on transcript NM_017849.4 (MANE Select); coding-DNA position 61, A replaced by C.
Protein change: p.Ser21Arg; replaces serine 21 with arginine.
Molecular consequence: missense variant. On other transcripts: intron variant (1).
Genome position (GRCh38, 1-based): chr2:96,265,321, T>G on the plus strand (A>C on the coding strand, the complement: TMEM127 is on the minus strand). VCF-style: chr2-96265321-T-G. GRCh37 (hg19) VCF-style: chr2-96931059-T-G.
Other names: c.61A>C, p.Ser21Arg (NM_001193304.3); c.-9+548A>C (NM_001407283.1); short protein forms S21R.
Identifiers: ClinVar variation 5030895 (VCV005030895.1).

ClinVar aggregate classification (germline): Uncertain significance (1 of 4 stars; one submission).

Conditions:
Hereditary cancer-predisposing syndrome. Also called: Neoplastic Syndromes, Hereditary; Tumor predisposition; Hereditary neoplastic syndrome; Hereditary Cancer Syndrome. Identifiers: Orphanet 140162, MedGen C0027672, MeSH D009386, MONDO:0015356.

Submission:

Ambry Genetics
Classification: Uncertain significance for Hereditary cancer-predisposing syndrome. Last evaluated: 2026-06-17. Review status: criteria provided, single submitter. Criteria: Ambry Variant Classification Scheme 2023. Collection method: clinical testing. Allele origin: germline.
Comment: The p.S21R variant (also known as c.61A>C), located in coding exon 1 of the TMEM127 gene, results from an A to C substitution at nucleotide position 61. The serine at codon 21 is replaced by arginine, an amino acid with dissimilar properties. This amino acid position is conserved. In addition, this alteration is predicted to be tolerated by in silico analysis. Based on the available evidence, the clinical significance of this variant remains unclear.